The following is an entry in ClinVar:

ClinVar aggregate classification (germline): Uncertain significance (1 of 4 stars; one submission).

Conditions:
SNAP25-related disorder.

Submission:

3billion
Classification: Uncertain significance for SNAP25-related disorder. Last evaluated: 2022-03-22. Review status: criteria provided, single submitter. Criteria: ACMG Guidelines, 2015. Collection method: clinical testing. Allele origin: germline. Affected: yes. Observed: 1 heterozygote.
Comment: Inframe deletion located in a nonrepeat region: predicted to change the length of the protein and disrupt normal protein function.It is not observed in the gnomAD v2.1.1 dataset. Therefore, this variant is classified as uncertain significance according to the recommendation of ACMG/AMP guideline.

NM_130811.4(SNAP25):c.524_532del (p.Asn175_Gln177del)

Gene: SNAP25 (synaptosome associated protein 25; plus strand). Cytogenetic location: 20p12.2.
Variant type: Deletion.
Coding change: c.524_532del on transcript NM_130811.4 (MANE Select); coding-DNA positions 524 to 532, 9 bases deleted (ATCGCCAGA; older notation c.524_532delATCGCCAGA).
Protein change: p.Asn175_Gln177del.
Molecular consequence: inframe deletion.
Genome position (GRCh38, 1-based): chr20:10,299,384-10,299,392, ATCGCCAGA deleted; deleting any 9 consecutive bases within chr20:10,299,380-10,299,392 gives the same sequence; the c. name uses the placement nearest the transcript's 3' end. VCF-style (leftmost placement, unchanged base first): chr20-10299379-ACAGAATCGC-A. GRCh37 (hg19) VCF-style: chr20-10280027-ACAGAATCGC-A.
Other names: c.524_532del, p.Asn175_Gln177del (NM_001322902.2, NM_001322903.2, NM_001322904.2 and 7 more transcripts).
Identifiers: ClinVar variation 1526167 (VCV001526167.1), dbSNP rs2123159492, ClinGen allele CA2573156825.